The following is an entry in ClinVar:

ClinVar aggregate classification (germline): Pathogenic (1 of 4 stars; one submission).

Submission:

Labcorp Genetics (formerly Invitae), Labcorp
Classification: Pathogenic. Last evaluated: 2020-06-03. Review status: criteria provided, single submitter. Criteria: Invitae Variant Classification Sherloc (09022015). Collection method: clinical testing. Allele origin: germline.
Comment: For these reasons, this variant has been classified as Pathogenic. Loss-of-function variants in SLC26A4 are known to be pathogenic (PMID: 16283880, 25394566, 26252218, 26445815). This variant has not been reported in the literature in individuals with SLC26A4-related conditions. This variant is an out-of-frame deletion of the genomic region encompassing exon 3 of the SLC26A4 gene. This is expected to create a premature translational stop signal and result in an absent or disrupted protein product.

Literature cited by the submitters: PubMed 16283880; PubMed 25394566; PubMed 26252218; PubMed 26445815.

NC_000007.13:g.(?_107303728)_(107303890_?)del

Gene: SLC26A4 (solute carrier family 26 member 4; plus strand). Cytogenetic location: 7q22.3.
Variant type: Deletion.
Identifiers: ClinVar variation 1073601 (VCV001073601.5).